The following is an entry in ClinVar:

NM_000051.4(ATM):c.5034_5035delinsTC (p.Gly1679Arg)

Gene: ATM (ATM serine/threonine kinase; plus strand). Cytogenetic location: 11q22.3.
Variant type: Indel.
Coding change: c.5034_5035delinsTC on transcript NM_000051.4 (MANE Select); coding-DNA positions 5034 to 5035, GG replaced by TC.
Protein change: p.Gly1679Arg; replaces glycine 1679 with arginine.
Molecular consequence: missense variant.
Genome position (GRCh38, 1-based): chr11:108,299,742-108,299,743, GG replaced by TC. VCF-style: chr11-108299742-GG-TC. GRCh37 (hg19) VCF-style: chr11-108170469-GG-TC.
Other names: c.5034_5035delinsTC, p.Gly1679Arg (NM_001351834.2); short protein forms G1679R.
Identifiers: ClinVar variation 942409 (VCV000942409.8), dbSNP rs2083321272, ClinGen allele CA1139662312.
Genomic context (GRCh38, chr11:108,299,742, plus strand): 5'-TGACTCTACTGAAATAGAATTTCTATATGTAGAGGCTGTTGGAAGCTGCTTGGGAGAAGT[GG>TC]GTCCTATAGATTTCTCTACCATAGCTATACAACATAGTAAAGATGCATCTTATACCAAGG-3'
Protein context (NP_000042.3, residues 1669-1689): EAVGSCLGEV[Gly1679Arg]PIDFSTIAIQ

ClinVar aggregate classification (germline): Uncertain significance (1 of 4 stars; one submission).

Conditions:
Ataxia-telangiectasia syndrome (AT). Also called: Ataxia-telangiectasia, complementation group E; Ataxia telangiectasia (A-T); LOUIS-BAR SYNDROME; ATAXIA-TELANGIECTASIA, FRESNO VARIANT; AT, COMPLEMENTATION GROUP C; Ataxia-telangiectasia. Identifiers: Orphanet 100, MedGen C0004135, MONDO:0008840, OMIM 208900.

Submission:

Labcorp Genetics (formerly Invitae), Labcorp
Classification: Uncertain significance for Ataxia-telangiectasia syndrome. Last evaluated: 2020-05-27. Review status: criteria provided, single submitter. Criteria: Invitae Variant Classification Sherloc (09022015). Collection method: clinical testing. Allele origin: germline.
Comment: This variant has not been reported in the literature in individuals with ATM-related conditions. This variant is not present in population databases (ExAC no frequency). This sequence change replaces glycine with arginine at codon 1679 of the ATM protein (p.Gly1679Arg). The glycine residue is highly conserved and there is a moderate physicochemical difference between glycine and arginine. Algorithms developed to predict the effect of missense changes on protein structure and function are either unavailable or do not agree on the potential impact of this missense change (SIFT: "Deleterious"; PolyPhen-2: "Not Available"; Align-GVGD: "Class C65"). In summary, the available evidence is currently insufficient to determine the role of this variant in disease. Therefore, it has been classified as a Variant of Uncertain Significance.